The following is an entry in ClinVar:

ClinVar aggregate classification (germline): Uncertain significance (1 of 4 stars; one submission).

Conditions:
Autosomal dominant nocturnal frontal lobe epilepsy 5. Also called: CILIARY DYSKINESIA, PRIMARY, 28, WITH SITUS INVERSUS; CILIARY DYSKINESIA, PRIMARY, 28, WITHOUT SITUS INVERSUS; KCNT1-Related Epilepsy; Epilepsy, nocturnal frontal lobe, 5. Identifiers: Orphanet 98784, MedGen C3554306, MONDO:0014002, OMIM 615005.
Developmental and epileptic encephalopathy, 14 (DEE14). Also called: Early infantile epileptic encephalopathy 14. Identifiers: Orphanet 293181, MedGen C3554195, MONDO:0013989, OMIM 614959.

Submission:

Labcorp Genetics (formerly Invitae), Labcorp
Classification: Uncertain significance for Autosomal dominant nocturnal frontal lobe epilepsy 5; Developmental and epileptic encephalopathy, 14. Last evaluated: 2023-07-07. Review status: criteria provided, single submitter. Criteria: Invitae Variant Classification Sherloc (09022015). Collection method: clinical testing. Allele origin: germline.
Comment: ClinVar contains an entry for this variant (Variation ID: 2024636). In summary, the available evidence is currently insufficient to determine the role of this variant in disease. Therefore, it has been classified as a Variant of Uncertain Significance. Experimental studies and prediction algorithms are not available or were not evaluated, and the functional significance of this variant is currently unknown. This variant has not been reported in the literature in individuals affected with KCNT1-related conditions. This variant is not present in population databases (gnomAD no frequency). This variant, c.241_246del, results in the deletion of 2 amino acid(s) of the KCNT1 protein (p.Gln81_Asn82del), but otherwise preserves the integrity of the reading frame.

NM_020822.3(KCNT1):c.241_246del (p.Gln81_Asn82del)

Gene: KCNT1 (potassium sodium-activated channel subfamily T member 1; plus strand). Cytogenetic location: 9q34.3.
Variant type: Deletion.
Coding change: c.241_246del on transcript NM_020822.3 (MANE Select); coding-DNA positions 241 to 246, 6 bases deleted (CAGAAC; older notation c.241_246delCAGAAC).
Protein change: p.Gln81_Asn82del.
Molecular consequence: inframe deletion. On other transcripts: intron variant (1).
Genome position (GRCh38, 1-based): chr9:135,714,707-135,714,712, CAGAAC deleted; deleting any 6 consecutive bases within chr9:135,714,706-135,714,712 gives the same sequence; the c. name uses the placement nearest the transcript's 3' end. VCF-style (leftmost placement, unchanged base first): chr9-135714705-TCCAGAA-T. GRCh37 (hg19) VCF-style: chr9-138606551-TCCAGAA-T.
Other names: c.110+12339_110+12344del (NM_001272003.2).
Identifiers: ClinVar variation 2024636 (VCV002024636.4), dbSNP rs2490605609, ClinGen allele CA2580080050.